The following is an entry in ClinVar:

NM_002024.6(FMR1):c.1189G>C (p.Gly397Arg)

Gene: FMR1 (fragile X messenger ribonucleoprotein 1; plus strand). Cytogenetic location: Xq27.3.
Variant type: single nucleotide variant.
Coding change: c.1189G>C on transcript NM_002024.6 (MANE Select); coding-DNA position 1189, G replaced by C.
Protein change: p.Gly397Arg; replaces glycine 397 with arginine.
Molecular consequence: missense variant. On other transcripts: non-coding transcript variant (2).
Genome position (GRCh38, 1-based): chrX:147,940,576, G>C. VCF-style: chrX-147940576-G-C. GRCh37 (hg19) VCF-style: chrX-147022095-G-C.
Other names: c.1189G>C, p.Gly397Arg (NM_001185075.2); c.1126G>C, p.Gly376Arg (NM_001185076.2, NM_001185081.2, NM_001185082.2); short protein forms G376R, G397R.
Identifiers: ClinVar variation 4884473 (VCV004884473.1).

ClinVar aggregate classification (germline): Uncertain significance (1 of 4 stars; one submission).

Conditions:
Fragile X syndrome. Also called: Fra(X) syndrome; Fragile X syndrome, type A; MARKER X SYNDROME; MARTIN-BELL SYNDROME; MENTAL RETARDATION, X-LINKED, ASSOCIATED WITH marXq28; X-LINKED MENTAL RETARDATION AND MACROORCHIDISM. Identifiers: Orphanet 449291, Orphanet 908, MedGen C0016667, MONDO:0010383, OMIM 300624. Disease mechanism: loss of function.

gnomAD v4.1: 1 of 1,176,222 alleles (0.000085%); no homozygotes.

Submission:

Diagnostics Services (NGS), CSIR - Centre For Cellular And Molecular Biology
Classification: Uncertain significance for Fragile X syndrome. Last evaluated: 2026-07-02. Review status: criteria provided, single submitter. Criteria: ACMG Guidelines, 2015. Collection method: clinical testing. Allele origin: germline. Observed: 1 variant allele, 1 heterozygote.
Comment: The c.1189G>C variant is not present in publicly available population databases like 1000 Genomes, EVS, gnomAD, Indian Exome Database or in our internal database. This variant has neither been published in the literature for FMR1-related conditions nor reported to clinical databases like Human Genome Mutation database (HGMD), OMIM, or ClinVar in any affected individuals. This variant is located near the exon-intron splice junction (splice distance- 1 bp) and some of the algorithms developed to predict the effect of sequence changes on RNA splicing suggest that this variant can disrupt the consensus splice site. In-silico pathogenicity prediction programs like dbscSNV, SIFT, Polyphen-2, REVEL, MutationTaster2021, CADD, Varsome etc predicted this variant to be likely deleterious, however these predictions were not confirmed by published functional/translational studies.